The following is an entry in ClinVar:

NM_018684.4(ZC4H2):c.27C>G (p.Cys9Trp)

Gene: ZC4H2 (zinc finger C4H2-type containing; minus strand). Cytogenetic location: Xq11.2.
Variant type: single nucleotide variant.
Coding change: c.27C>G on transcript NM_018684.4 (MANE Select); coding-DNA position 27, C replaced by G.
Protein change: p.Cys9Trp; replaces cysteine 9 with tryptophan.
Molecular consequence: missense variant. On other transcripts: non-coding transcript variant (1), intron variant (2).
Genome position (GRCh38, 1-based): chrX:64,976,351, G>C on the plus strand (C>G on the coding strand, the complement: ZC4H2 is on the minus strand). VCF-style: chrX-64976351-G-C. GRCh37 (hg19) VCF-style: chrX-64196231-G-C.
Other names: c.27C>G, p.Cys9Trp (NM_001178033.3); c.-16-54363C>G (NM_001243804.2); c.-271-54108C>G (NM_001178032.3); short protein forms C9W.
Identifiers: ClinVar variation 2576658 (VCV002576658.1), dbSNP rs2519756266, ClinGen allele CA413410851.
Genomic context (GRCh38, chrX:64,976,351, plus strand): 5'-AGAGGGGCGGGGAGGGGGACAACGTGCCACTTACCTGATCTCTTTAATGCTTTCCAATTT[G>C]CACATGATTTCTTGCTCATCTGCCATACTTTTCACTGTCAATTTCACGTCCCGAGAGATG-3'
Protein context (NP_061154.1, residues 1-19): MADEQEIM[Cys9Trp]KLESIKEIRN

ClinVar aggregate classification (germline): Uncertain significance (1 of 4 stars; one submission).

Submission:

GeneDx
Classification: Uncertain significance. Last evaluated: 2023-02-16. Review status: criteria provided, single submitter. Criteria: GeneDx Variant Classification Process June 2021. Collection method: clinical testing. Allele origin: germline. Affected: yes.
Comment: Not observed at significant frequency in large population cohorts (gnomAD); In silico analysis supports that this missense variant has a deleterious effect on protein structure/function; Has not been previously published as pathogenic or benign to our knowledge